The following is an entry in ClinVar:

ClinVar aggregate classification (germline): Uncertain significance. Review status: criteria provided, multiple submitters, no conflicts (2 of 4 stars). 3 submissions from 3 submitters: Uncertain significance (3). Last evaluated 2025-12-02.

Conditions:
Age related macular degeneration 1 (ARMD1). Also called: MACULOPATHY, AGE-RELATED, 1. Identifiers: MedGen C1864205, MONDO:0011285, OMIM 603075.

Allele frequency attached by ClinVar (database versions not stated): gnomAD 0.00001 and 0.00002; gnomAD exomes 0.00001 and 0.00002; ExAC 0.00002; TOPMed 0.00006.
gnomAD v4.1: 15 of 1,602,504 alleles (0.00094%); highest among the groups gnomAD compares: Middle Eastern, 0.017%; no homozygotes.

Submissions (3):

Ambry Genetics
Classification: Uncertain significance. Last evaluated: 2025-12-02. Review status: criteria provided, single submitter. Criteria: Ambry Variant Classification Scheme 2023. Collection method: clinical testing. Allele origin: germline.

Labcorp Genetics (formerly Invitae), Labcorp
Classification: Uncertain significance. Last evaluated: 2025-10-13. Review status: criteria provided, single submitter. Criteria: Invitae Variant Classification Sherloc (09022015). Collection method: clinical testing. Allele origin: germline.
Comment: This sequence change replaces arginine, which is basic and polar, with tryptophan, which is neutral and slightly polar, at codon 4771 of the HMCN1 protein (p.Arg4771Trp). This variant is present in population databases (rs768284133, gnomAD 0.02%). This variant has not been reported in the literature in individuals affected with HMCN1-related conditions. ClinVar contains an entry for this variant (Variation ID: 294273). An algorithm developed to predict the effect of missense changes on protein structure and function (PolyPhen-2) suggests that this variant is likely to be disruptive. In summary, the available evidence is currently insufficient to determine the role of this variant in disease. Therefore, it has been classified as a Variant of Uncertain Significance.

Illumina Laboratory Services, Illumina
Classification: Uncertain significance for Age related macular degeneration 1. Last evaluated: 2018-01-12. Review status: criteria provided, single submitter. Criteria: ICSL Variant Classification Criteria 13 December 2019. Collection method: clinical testing. Allele origin: germline.

NM_031935.3(HMCN1):c.14311C>T (p.Arg4771Trp)

Gene: HMCN1 (hemicentin 1; plus strand). Cytogenetic location: 1q31.1.
Variant type: single nucleotide variant.
Coding change: c.14311C>T on transcript NM_031935.3 (MANE Select); coding-DNA position 14311, C replaced by T.
Protein change: p.Arg4771Trp; replaces arginine 4771 with tryptophan.
Molecular consequence: missense variant.
Genome position (GRCh38, 1-based): chr1:186,145,447, C>T. VCF-style: chr1-186145447-C-T. GRCh37 (hg19) VCF-style: chr1-186114579-C-T.
Other names: short protein forms R4771W.
Identifiers: ClinVar variation 294273 (VCV000294273.7), dbSNP rs768284133, ClinGen allele CA1294916.
Genomic context (GRCh38, chr1:186,145,447, plus strand): 5'-TTATTCTGTCTTGTAGCCCATGGTAACTGGAGTCCTTGGAGTGGCTGGGGAACATGCAGC[C>T]GGACGTGTAACGGAGGGCAGATGCGGCGGTACCGCACATGTGATAACCCTCCTCCCTCCA-3'
Protein context (NP_114141.2, residues 4761-4781): SPWSGWGTCS[Arg4771Trp]TCNGGQMRRY